The following is an entry in ClinVar:

ClinVar aggregate classification (germline): Likely pathogenic. Review status: reviewed by expert panel (3 of 4 stars). 4 submissions from 4 submitters: Likely pathogenic (1). 3 of the submissions do not count toward it. Last evaluated 2026-04-29.

Conditions:
Autosomal recessive limb-girdle muscular dystrophy. Identifiers: Orphanet 102015, MedGen C2931907, MONDO:0015152.
Autosomal recessive limb-girdle muscular dystrophy type 2B (LGMDR2). Also called: MUSCULAR DYSTROPHY, LIMB-GIRDLE, TYPE 3; Limb-Girdle Muscular Dystrophy Type 2B (LGMD2B); Limb-girdle muscular dystrophy, type 2B; MUSCULAR DYSTROPHY, LIMB-GIRDLE, AUTOSOMAL RECESSIVE 2. Identifiers: Orphanet 268, MedGen C1850889, MONDO:0009676, OMIM 253601.
Neuromuscular disease caused by qualitative or quantitative defects of dysferlin. Also called: Qualitative or quantitative defects of dysferlin; Dysferlinopathy. Identifiers: Orphanet 207073, MedGen C2931687, MONDO:0016145.

Submissions (4):

ClinGen Limb Girdle Muscular Dystrophy Variant Curation Expert Panel, ClinGen
Classification: Likely pathogenic for Autosomal recessive limb-girdle muscular dystrophy. Last evaluated: 2026-04-29. Review status: reviewed by expert panel. Criteria: ClinGen LGMD VCEP ACMG Specifications DYSF V2.0.0. Collection method: curation. Allele origin: germline. Inheritance: Autosomal recessive inheritance.
Comment: The NM_003494.4: c.754A>G variant in DYSF, which is also known as NM_001130987.2: c.850A>G p.(Thr284Ala), is a missense variant expected to cause the substitution of threonine for alanine at residue 252, p.(Ala252Thr). This variant has been reported in a homozygous state in one individual with limb-girdle muscular dystrophy without reported familial consanguinity (0.5 pts, ClinVar SCV001164501.1; PM3_Supporting, PP4). This variant is absent from gnomAD v.4.1.0, meeting the criteria for PM2_Supporting. The computational predictor REVEL gives a score of 0.931, which is above the LGMD VCEP threshold of ≥0.70, evidence that correlates with impact to DYSF function (PP3). In addition, another missense variant at the same codon, NM_003494.4: c.755C>T p.(Thr252Met), has been classified as pathogenic by the ClinGen LGMD VCEP (PM5). In summary, this variant meets the criteria to be classified as Likely Pathogenic for autosomal recessive limb girdle muscular dystrophy based on the ACMG/AMP criteria applied, as specified by the ClinGen LGMD VCEP (LGMD VCEP specifications version 2.0.0; 04/29/2026): PM3_Supporting, PP4, PM2_Supporting, PP3, PM5.

GeneDx
Classification: Uncertain significance. Last evaluated: 2025-04-22. Review status: criteria provided, single submitter. Criteria: GeneDx Variant Classification Process June 2021. Collection method: clinical testing. Allele origin: germline. Affected: yes. Not counted in ClinVar's aggregate classification.
Comment: Reported in a patient with dysferlinopathy in the published literature; however, it's unknown if a second variant in DYSF was identified (PMID: 33751525); In silico analysis supports that this missense variant has a deleterious effect on protein structure/function; Not observed at significant frequency in large population cohorts (gnomAD); This variant is associated with the following publications: (PMID: 33751525, 24438169)

Labcorp Genetics (formerly Invitae), Labcorp
Classification: Pathogenic for Neuromuscular disease caused by qualitative or quantitative defects of dysferlin. Last evaluated: 2023-11-29. Review status: criteria provided, single submitter. Criteria: Invitae Variant Classification Sherloc (09022015). Collection method: clinical testing. Allele origin: germline. Not counted in ClinVar's aggregate classification.
Comment: This sequence change replaces threonine, which is neutral and polar, with alanine, which is neutral and non-polar, at codon 252 of the DYSF protein (p.Thr252Ala). This variant is not present in population databases (gnomAD no frequency). This missense change has been observed in individual(s) with Miyoshi muscular dystrophy (PMID: 33751525). In at least one individual the data is consistent with being in trans (on the opposite chromosome) from a pathogenic variant. ClinVar contains an entry for this variant (Variation ID: 813972). Advanced modeling of protein sequence and biophysical properties (such as structural, functional, and spatial information, amino acid conservation, physicochemical variation, residue mobility, and thermodynamic stability) performed at Invitae indicates that this missense variant is expected to disrupt DYSF protein function with a positive predictive value of 95%. This variant disrupts the p.Thr252 amino acid residue in DYSF. Other variant(s) that disrupt this residue have been determined to be pathogenic (PMID: 21522182, 24488599, 26671124, 27647186). This suggests that this residue is clinically significant, and that variants that disrupt this residue are likely to be disease-causing. For these reasons, this variant has been classified as Pathogenic.

Broad Center for Mendelian Genomics, Broad Institute of MIT and Harvard
Classification: Uncertain significance for Autosomal recessive limb-girdle muscular dystrophy type 2B. Last evaluated: 2018-12-03. Review status: criteria provided, single submitter. Criteria: ACMG Guidelines, 2015. Collection method: research. Allele origin: germline. Inheritance: Autosomal recessive inheritance. Affected: yes. Not counted in ClinVar's aggregate classification.
Comment: This variant was absent from large population studies. Computational prediction tools and conservation analyses suggest that this variant may impact the protein, though this information is not predictive enough to determine pathogenicity. In summary, the clinical significance of the p.Thre284Ala variant is uncertain. ACMG/AMP Criteria applied: PM2, PP3 (Richards 2015).

Literature cited by the submitters: PubMed 33751525 (cited by Labcorp Genetics (formerly Invitae), Labcorp); PubMed 21522182 (cited by Labcorp Genetics (formerly Invitae), Labcorp); PubMed 24488599 (cited by Labcorp Genetics (formerly Invitae), Labcorp); PubMed 26671124 (cited by Labcorp Genetics (formerly Invitae), Labcorp); PubMed 27647186 (cited by Labcorp Genetics (formerly Invitae), Labcorp).

NM_001130987.2(DYSF):c.850A>G (p.Thr284Ala)

Gene: DYSF (dysferlin; plus strand). Cytogenetic location: 2p13.2.
Variant type: single nucleotide variant.
Coding change: c.850A>G on transcript NM_001130987.2 (MANE Select); coding-DNA position 850, A replaced by G.
Protein change: p.Thr284Ala; replaces threonine 284 with alanine.
Molecular consequence: missense variant.
Genome position (GRCh38, 1-based): chr2:71,515,713, A>G. VCF-style: chr2-71515713-A-G. GRCh37 (hg19) VCF-style: chr2-71742843-A-G.
Other names: NM_001130987.2(DYSF):c.850A>G; c.754A>G (NM_003494.3); c.757A>G, p.Thr253Ala (NM_001130455.2, NM_001130983.2, NM_001130984.2 and 1 more transcripts); c.754A>G, p.Thr252Ala (NM_001130976.2, NM_001130977.2, NM_001130978.2 and 1 more transcripts); c.847A>G, p.Thr283Ala (NM_001130979.2, NM_001130980.2, NM_001130981.2); c.850A>G, p.Thr284Ala (NM_001130982.2, NM_001130985.2); short protein forms T283A, T252A, T253A, T284A.
Identifiers: ClinVar variation 813972 (VCV000813972.6), dbSNP rs1573658295, ClinGen allele CA347208767.
Genomic context (GRCh38, chr2:71,515,713, plus strand): 5'-CTGCCGGGGGTGAACATCAAGCCTGTGGTCAAGGTTACCGCTGCAGGGCAGACCAAGCGG[A>G]CGCGGATCCACAAGGGAAACAGCCCACTCTTCAATGAGGTGGGAGACATGGGGCATGAGG-3'
Protein context (NP_001124459.1, residues 274-294): KVTAAGQTKR[Thr284Ala]RIHKGNSPLF